The following is an entry in ClinVar:

NM_145068.4(TRPV3):c.1879G>A (p.Asp627Asn)

Gene: TRPV3 (transient receptor potential cation channel subfamily V member 3; minus strand). Cytogenetic location: 17p13.2.
Variant type: single nucleotide variant.
Coding change: c.1879G>A on transcript NM_145068.4 (MANE Select); coding-DNA position 1879, G replaced by A.
Protein change: p.Asp627Asn; replaces aspartic acid 627 with asparagine.
Molecular consequence: missense variant.
Genome position (GRCh38, 1-based): chr17:3,518,782, C>T on the plus strand (G>A on the coding strand, the complement: TRPV3 is on the minus strand). VCF-style: chr17-3518782-C-T. GRCh37 (hg19) VCF-style: chr17-3422076-C-T.
Other names: c.1879G>A, p.Asp627Asn (NM_001258205.2); short protein forms D627N.
Identifiers: ClinVar variation 2867423 (VCV002867423.3), dbSNP rs1262597025, ClinGen allele CA397680833.

ClinVar aggregate classification (germline): Uncertain significance (1 of 4 stars; one submission).

Allele frequency attached by ClinVar (database versions not stated): TOPMed 0.00001.

Submission:

Labcorp Genetics (formerly Invitae), Labcorp
Classification: Uncertain significance. Last evaluated: 2024-01-19. Review status: criteria provided, single submitter. Criteria: Invitae Variant Classification Sherloc (09022015). Collection method: clinical testing. Allele origin: germline.
Comment: This sequence change replaces aspartic acid, which is acidic and polar, with asparagine, which is neutral and polar, at codon 627 of the TRPV3 protein (p.Asp627Asn). This variant is not present in population databases (gnomAD no frequency). This variant has not been reported in the literature in individuals affected with TRPV3-related conditions. An algorithm developed to predict the effect of missense changes on protein structure and function (PolyPhen-2) suggests that this variant is likely to be tolerated. In summary, the available evidence is currently insufficient to determine the role of this variant in disease. Therefore, it has been classified as a Variant of Uncertain Significance.